The following is an entry in ClinVar:

NM_017780.4(CHD7):c.6691T>C (p.Ser2231Pro)

Gene: CHD7 (chromodomain helicase DNA binding protein 7; plus strand). Cytogenetic location: 8q12.2.
Variant type: single nucleotide variant.
Coding change: c.6691T>C on transcript NM_017780.4 (MANE Select); coding-DNA position 6691, T replaced by C.
Protein change: p.Ser2231Pro; replaces serine 2231 with proline.
Molecular consequence: missense variant. On other transcripts: intron variant (1).
Genome position (GRCh38, 1-based): chr8:60,853,416, T>C. VCF-style: chr8-60853416-T-C. GRCh37 (hg19) VCF-style: chr8-61765975-T-C.
Other names: c.1717-8813T>C (NM_001316690.1); short protein forms S2231P.
Identifiers: ClinVar variation 1712006 (VCV001712006.2), dbSNP rs2488047406, ClinGen allele CA371326114.
Genomic context (GRCh38, chr8:60,853,416, plus strand): 5'-GCCAGCTCTGTGAAAAATGAACTGAAAGGTGTTGAGGTCGGCGCAGACACTGGGTCCAAA[T>C]CTATTTCAGAGAAAGGTTCCGAAGAGGATGAAGAGGAAAAGCTGGAGGATGACGATAAGT-3'
Protein context (NP_060250.2, residues 2221-2241): VEVGADTGSK[Ser2231Pro]ISEKGSEEDE

ClinVar aggregate classification (germline): Uncertain significance (1 of 4 stars; one submission).

Submission:

GeneDx
Classification: Uncertain significance. Last evaluated: 2022-11-22. Review status: criteria provided, single submitter. Criteria: GeneDx Variant Classification Process June 2021. Collection method: clinical testing. Allele origin: germline. Affected: yes.
Comment: Not observed at significant frequency in large population cohorts (gnomAD); In silico analysis supports that this missense variant does not alter protein structure/function; Has not been previously published as pathogenic or benign to our knowledge